The following is an entry in ClinVar:

NM_001366110.1(PAX4):c.280G>A (p.Glu94Lys)

Gene: PAX4 (paired box 4; minus strand). Cytogenetic location: 7q32.1.
Variant type: single nucleotide variant.
Coding change: c.280G>A on transcript NM_001366110.1 (MANE Select); coding-DNA position 280, G replaced by A.
Protein change: p.Glu94Lys; replaces glutamic acid 94 with lysine.
Molecular consequence: missense variant.
Genome position (GRCh38, 1-based): chr7:127,614,960, C>T on the plus strand (G>A on the coding strand, the complement: PAX4 is on the minus strand). VCF-style: chr7-127614960-C-T. GRCh37 (hg19) VCF-style: chr7-127255014-C-T.
Other names: NM_006193.2:c.256G>A; c.280G>A, p.Glu94Lys (NM_001366111.1); short protein forms E94K.
Identifiers: ClinVar variation 1710653 (VCV001710653.3), dbSNP rs1024556039, ClinGen allele CA166114045.

ClinVar aggregate classification (germline): Uncertain significance. Review status: criteria provided, multiple submitters, no conflicts (2 of 4 stars). 2 submissions from 2 submitters: Uncertain significance (2). Last evaluated 2025-10-06.

Allele frequency attached by ClinVar (database versions not stated): TOPMed below 0.00001; gnomAD 0.00001.

Submissions (2):

Labcorp Genetics (formerly Invitae), Labcorp
Classification: Uncertain significance. Last evaluated: 2025-10-06. Review status: criteria provided, single submitter. Criteria: Invitae Variant Classification Sherloc (09022015). Collection method: clinical testing. Allele origin: germline.
Comment: This sequence change replaces glutamic acid, which is acidic and polar, with lysine, which is basic and polar, at codon 86 of the PAX4 protein (p.Glu86Lys). This variant is present in population databases (no rsID available, gnomAD 0.004%). This variant has not been reported in the literature in individuals affected with PAX4-related conditions. ClinVar contains an entry for this variant (Variation ID: 1710653). An algorithm developed to predict the effect of missense changes on protein structure and function (PolyPhen-2) suggests that this variant is likely to be tolerated. Algorithms developed to predict the effect of sequence changes on RNA splicing suggest that this variant may disrupt the consensus splice site. In summary, the available evidence is currently insufficient to determine the role of this variant in disease. Therefore, it has been classified as a Variant of Uncertain Significance.

GeneDx
Classification: Uncertain significance. Last evaluated: 2022-04-13. Review status: criteria provided, single submitter. Criteria: GeneDx Variant Classification Process June 2021. Collection method: clinical testing. Allele origin: germline. Affected: yes.
Comment: In silico analysis supports that this missense variant has a deleterious effect on protein structure/function; Has not been previously published as pathogenic or benign to our knowledge